The following is an entry in ClinVar:

NM_003482.4(KMT2D):c.5188+14G>C

Gene: KMT2D (lysine methyltransferase 2D; minus strand). Cytogenetic location: 12q13.12.
Variant type: single nucleotide variant.
Coding change: c.5188+14G>C on transcript NM_003482.4 (MANE Select); 14 bases into the intron after coding-DNA position 5188, G replaced by C.
Molecular consequence: intron variant.
Genome position (GRCh38, 1-based): chr12:49,044,186, C>G on the plus strand (G>C on the coding strand, the complement: KMT2D is on the minus strand). VCF-style: chr12-49044186-C-G. GRCh37 (hg19) VCF-style: chr12-49437969-C-G.
Identifiers: ClinVar variation 3007874 (VCV003007874.3), dbSNP rs2120579343, ClinGen allele CA2575144500.

ClinVar aggregate classification (germline): Uncertain significance (1 of 4 stars; one submission).

Conditions:
Kabuki syndrome. Also called: Kabuki make-up syndrome; NIIKAWA-KUROKI SYNDROME. Identifiers: Orphanet 2322, MedGen C0796004, MONDO:0016512.

Allele frequency attached by ClinVar (database versions not stated): gnomAD exomes below 0.00001.
gnomAD v4.1: 2 of 1,609,758 alleles (0.00012%); highest among the groups gnomAD compares: Non-Finnish European, 0.00017%; no homozygotes.

Submission:

Labcorp Genetics (formerly Invitae), Labcorp
Classification: Uncertain significance for Kabuki syndrome. Last evaluated: 2023-02-16. Review status: criteria provided, single submitter. Criteria: Invitae Variant Classification Sherloc (09022015). Collection method: clinical testing. Allele origin: germline.
Comment: This sequence change falls in intron 21 of the KMT2D gene. It does not directly change the encoded amino acid sequence of the KMT2D protein. This variant is not present in population databases (gnomAD no frequency). This variant has not been reported in the literature in individuals affected with KMT2D-related conditions. Algorithms developed to predict the effect of sequence changes on RNA splicing suggest that this variant may disrupt the consensus splice site. In summary, the available evidence is currently insufficient to determine the role of this variant in disease. Therefore, it has been classified as a Variant of Uncertain Significance.